The following is an entry in ClinVar:

ClinVar aggregate classification (germline): Pathogenic (1 of 4 stars; one submission).

Conditions:
Hereditary cancer-predisposing syndrome. Also called: Neoplastic Syndromes, Hereditary; Hereditary Cancer Syndrome; Tumor predisposition; Hereditary neoplastic syndrome. Identifiers: Orphanet 140162, MedGen C0027672, MeSH D009386, MONDO:0015356.

Submission:

Ambry Genetics
Classification: Pathogenic for Hereditary cancer-predisposing syndrome. Last evaluated: 2025-02-10. Review status: criteria provided, single submitter. Criteria: Ambry Variant Classification Scheme 2023. Collection method: clinical testing. Allele origin: germline.
Comment: The EX15(partial)_21del gross deletion is an L1-mediated deletion that extends from a portion of coding exon 15 through coding exon 21 in the ATM gene; however, the exact breakpoints of this complex variant were not determined. This alteration is expected to result in loss of function due to an abnormal transcript, a translational frameshift leading to premature truncation, or nonsense-mediated mRNA decay. As such, this alteration is interpreted as a disease causing mutation.

NM_000051.3:c.2440_2441insL1

Gene: ATM (ATM serine/threonine kinase; plus strand).
Variant type: Insertion.
Identifiers: ClinVar variation 3802015 (VCV003802015.1).